The following is an entry in ClinVar:

NM_014946.4(SPAST):c.871-29_871-9del

Gene: SPAST (spastin; plus strand). Cytogenetic location: 2p22.3.
Variant type: Deletion.
Coding change: c.871-29_871-9del on transcript NM_014946.4 (MANE Select); 29 bases into the intron before coding-DNA position 871 through 9 bases into the intron before coding-DNA position 871, 21 bases deleted (TTTCATATTAAAATTTTGTAT).
Molecular consequence: intron variant.
Genome position (GRCh38, 1-based): chr2:32,115,673-32,115,693, TTTCATATTAAAATTTTGTAT deleted; deleting any 21 consecutive bases within chr2:32,115,667-32,115,693 gives the same sequence; the c. name uses the placement nearest the transcript's 3' end. VCF-style (leftmost placement, unchanged base first): chr2-32115666-GTTGTATTTTCATATTAAAATT-G. GRCh37 (hg19) VCF-style: chr2-32340735-GTTGTATTTTCATATTAAAATT-G.
Other names: c.775-29_775-9del (NM_199436.2, NM_001377959.1); c.868-29_868-9del (NM_001363823.2); c.772-29_772-9del (NM_001363875.2).
Identifiers: ClinVar variation 2769824 (VCV002769824.3), dbSNP rs2465837963, ClinGen allele CA2697547983.

ClinVar aggregate classification (germline): Uncertain significance (1 of 4 stars; one submission).

Conditions:
Hereditary spastic paraplegia 4. Also called: Spastic paraplegia 4, autosomal dominant; Familial spastic paraplegia autosomal dominant 2; Spastic Paraplegia 4. Identifiers: Orphanet 100985, MedGen C1866855, MONDO:0008438, OMIM 182601.

Submission:

Labcorp Genetics (formerly Invitae), Labcorp
Classification: Uncertain significance for Hereditary spastic paraplegia 4. Last evaluated: 2023-10-18. Review status: criteria provided, single submitter. Criteria: Invitae Variant Classification Sherloc (09022015). Collection method: clinical testing. Allele origin: germline.
Comment: This sequence change falls in intron 5 of the SPAST gene. It does not directly change the encoded amino acid sequence of the SPAST protein. This variant is not present in population databases (gnomAD no frequency). This variant has not been reported in the literature in individuals affected with SPAST-related conditions. Experimental studies and prediction algorithms are not available or were not evaluated, and the effect of this variant on mRNA splicing is currently unknown. In summary, the available evidence is currently insufficient to determine the role of this variant in disease. Therefore, it has been classified as a Variant of Uncertain Significance.